The following is an entry in ClinVar:

ClinVar aggregate classification (germline): Pathogenic/Likely pathogenic. Review status: criteria provided, multiple submitters, no conflicts (2 of 4 stars). 6 submissions from 6 submitters: Pathogenic (1); Likely pathogenic (5). Last evaluated 2025-07-04.

Conditions:
Familial hemophagocytic lymphohistiocytosis 2 (FHL2). Also called: PRF1-Related Familial Hemophagocytic Lymphohistiocytosis (PRF1-fHLH). Identifiers: Orphanet 540, MedGen C1863727, MONDO:0011337, OMIM 603553.
Aplastic anemia. Identifiers: Orphanet 182040, Orphanet 88, MedGen C0002874, MONDO:0015909, OMIM 609135, HP:0001915.
Lymphoma, non-Hodgkin, familial. Identifiers: MedGen C4721532, MONDO:0011508, OMIM 605027.
Familial hemophagocytic lymphohistiocytosis (FHL). Also called: Familial erythrophagocytic lymphohistiocytosis; Familial histiocytic reticulosis; Hereditary hemophagocytic lymphohistiocytosis. Identifiers: Orphanet 158038, Orphanet 540, MedGen C0272199, MONDO:0015541.

Allele frequency attached by ClinVar (database versions not stated): TOPMed 0.00003; gnomAD 0.00001; gnomAD exomes 0.00001; 1000 Genomes Project 0.00020; ExAC 0.00002; 1000 Genomes Project 30x 0.00016.

Submissions (6):

Dasa
Classification: Likely pathogenic. Last evaluated: 2025-07-04. Review status: criteria provided, single submitter. Criteria: DASA Assertion Criteria. Collection method: clinical testing. Allele origin: germline.
Comment: NM_001083116.3(PRF1):c.659G>A (p.Gly220Asp) is a missense variant that results in the substitution of glycine with aspartic acid. The affected residue or protein region has prior evidence supporting clinical relevance. This variant has been recurrently observed in individuals with PRF1-related disorders (PMID: 32542393; PMID: 26684649). Also, this variant is rare in population databases. Computational evidence supports a deleterious effect. Based on the currently available evidence, this variant is classified as likely pathogenic.

Women's Health and Genetics/Laboratory Corporation of America, LabCorp
Classification: Likely pathogenic for Familial hemophagocytic lymphohistiocytosis. Last evaluated: 2025-06-20. Review status: criteria provided, single submitter. Criteria: LabCorp Variant Classification Summary - May 2015. Collection method: clinical testing. Allele origin: germline.
Comment: Variant summary: PRF1 c.659G>A (p.Gly220Asp) results in a non-conservative amino acid change located in the Membrane attack complex component/perforin (MACPF) domain (IPR020864) of the encoded protein sequence. Algorithms developed to predict the effect of missense changes on protein structure and function all suggest that this variant is likely to be disruptive. The variant allele was found at a frequency of 8e-06 in 249148 control chromosomes. c.659G>A has been observed in individual(s) affected with Familial Hemophagocytic Lymphohistiocytosis (Tesi_2015, Gadoury-Levesque_2020). These data indicate that the variant may be associated with disease. Different missense variants affecting the same codon has been classified as likely pathogenic/pathogenic by our lab (p.Gly220Ser/Arg), supporting the critical relevance of codon 220 to PRF1 protein function. To our knowledge, no experimental evidence demonstrating an impact on protein function has been reported. The following publications have been ascertained in the context of this evaluation (PMID: 32542393, 26684649). ClinVar contains an entry for this variant (Variation ID: 802582). Based on the evidence outlined above, the variant was classified as likely pathogenic.

Labcorp Genetics (formerly Invitae), Labcorp
Classification: Pathogenic for Familial hemophagocytic lymphohistiocytosis 2. Last evaluated: 2024-12-24. Review status: criteria provided, single submitter. Criteria: Invitae Variant Classification Sherloc (09022015). Collection method: clinical testing. Allele origin: germline.
Comment: This sequence change replaces glycine, which is neutral and non-polar, with aspartic acid, which is acidic and polar, at codon 220 of the PRF1 protein (p.Gly220Asp). This variant is present in population databases (rs202217604, gnomAD 0.006%). This missense change has been observed in individuals with PRF1-related conditions (PMID: 26684649, 32542393). ClinVar contains an entry for this variant (Variation ID: 802582). Invitae Evidence Modeling of protein sequence and biophysical properties (such as structural, functional, and spatial information, amino acid conservation, physicochemical variation, residue mobility, and thermodynamic stability) indicates that this missense variant is expected to disrupt PRF1 protein function with a positive predictive value of 95%. This variant disrupts the p.Gly220 amino acid residue in PRF1. Other variant(s) that disrupt this residue have been determined to be pathogenic (PMID: 17873118, 21931115; internal data). This suggests that this residue is clinically significant, and that variants that disrupt this residue are likely to be disease-causing. For these reasons, this variant has been classified as Pathogenic.

Fulgent Genetics
Classification: Likely pathogenic for Familial hemophagocytic lymphohistiocytosis 2; Lymphoma, non-Hodgkin, familial; Aplastic anemia. Last evaluated: 2024-02-05. Review status: criteria provided, single submitter. Criteria: ACMG Guidelines, 2015. Collection method: clinical testing. Allele origin: germline.

Baylor Genetics
Classification: Likely pathogenic for Aplastic anemia. Last evaluated: 2023-08-10. Review status: criteria provided, single submitter. Criteria: ACMG Guidelines, 2015. Collection method: clinical testing. Allele origin: unknown.

Mendelics
Classification: Likely pathogenic for Familial hemophagocytic lymphohistiocytosis 2. Last evaluated: 2019-05-28. Review status: criteria provided, single submitter. Criteria: Mendelics Assertion Criteria 2017. Collection method: clinical testing. Allele origin: unknown.

Literature cited by the submitters: PubMed 32542393 (cited by 3 submitters); PubMed 26684649 (cited by 3 submitters); PubMed 21931115 (cited by Dasa and Labcorp Genetics (formerly Invitae), Labcorp); PubMed 17873118 (cited by Labcorp Genetics (formerly Invitae), Labcorp).

NM_001083116.3(PRF1):c.659G>A (p.Gly220Asp)

Gene: PRF1 (perforin 1; minus strand). Cytogenetic location: 10q22.1.
Variant type: single nucleotide variant.
Coding change: c.659G>A on transcript NM_001083116.3 (MANE Select); coding-DNA position 659, G replaced by A.
Protein change: p.Gly220Asp; replaces glycine 220 with aspartic acid.
Molecular consequence: missense variant.
Genome position (GRCh38, 1-based): chr10:70,599,062, C>T on the plus strand (G>A on the coding strand, the complement: PRF1 is on the minus strand). VCF-style: chr10-70599062-C-T. GRCh37 (hg19) VCF-style: chr10-72358818-C-T.
Other names: c.659G>A, p.Gly220Asp (NM_005041.6); short protein forms G220D.
Identifiers: ClinVar variation 802582 (VCV000802582.12), dbSNP rs202217604, ClinGen allele CA5538951.